The following is an entry in ClinVar:

NM_001184.4(ATR):c.1204A>T (p.Met402Leu)

Gene: ATR (ATR checkpoint kinase; minus strand). Cytogenetic location: 3q23.
Variant type: single nucleotide variant.
Coding change: c.1204A>T on transcript NM_001184.4 (MANE Select); coding-DNA position 1204, A replaced by T.
Protein change: p.Met402Leu; replaces methionine 402 with leucine.
Molecular consequence: missense variant.
Genome position (GRCh38, 1-based): chr3:142,561,388, T>A on the plus strand (A>T on the coding strand, the complement: ATR is on the minus strand). VCF-style: chr3-142561388-T-A. GRCh37 (hg19) VCF-style: chr3-142280230-T-A.
Other names: c.1204A>T, p.Met402Leu (NM_001354579.2); short protein forms M402L.
Identifiers: ClinVar variation 2567838 (VCV002567838.2), dbSNP rs2473421870, ClinGen allele CA354823430.
Genomic context (GRCh38, chr3:142,561,388, plus strand): 5'-TGCTGAGGTTTTCCTGTTGAGTTTGGCATTGAATCTCCTCAATGATTTCCATACTTTCCA[T>A]TTTCAAAGCTGCATAAAGTGGGCCCAACAAGTACTGAGAAAATAAAAAATAATTTCCAGA-3'
Protein context (NP_001175.2, residues 392-412): LLGPLYAALK[Met402Leu]ESMEIIEEIQ

ClinVar aggregate classification (germline): Uncertain significance (1 of 4 stars; one submission).

Conditions:
Inborn genetic diseases. Identifiers: MedGen C0950123, MeSH D030342.

Allele frequency attached by ClinVar (database versions not stated): gnomAD exomes below 0.00001.
gnomAD v4.1: 1 of 1,614,038 alleles (0.000062%); highest among the groups gnomAD compares: Non-Finnish European, 0.000085%; no homozygotes.

Submission:

Ambry Genetics
Classification: Uncertain significance for Inborn genetic diseases. Last evaluated: 2023-05-21. Review status: criteria provided, single submitter. Criteria: Ambry Variant Classification Scheme 2023. Collection method: clinical testing. Allele origin: germline.
Comment: The p.M402L variant (also known as c.1204A>T), located in coding exon 5 of the ATR gene, results from an A to T substitution at nucleotide position 1204. The methionine at codon 402 is replaced by leucine, an amino acid with highly similar properties. This amino acid position is conserved. In addition, this alteration is predicted to be tolerated by in silico analysis. Since supporting evidence is limited at this time, the clinical significance of this alteration remains unclear.